The following is an entry in ClinVar:

ClinVar aggregate classification (germline): Pathogenic. Review status: criteria provided, multiple submitters, no conflicts (2 of 4 stars). 21 submissions from 20 submitters: Pathogenic (15). 6 of the submissions do not count toward it. Last evaluated 2026-08-27.

Conditions:
RDH12-related disorder. Also called: RDH12-related disorders; RDH12-related condition.
Retinal dystrophy. Also called: Inherited retinal dystrophy. Identifiers: Orphanet 71862, MedGen C0854723, MeSH D058499, MONDO:0019118, HP:0000556.
Leber congenital amaurosis (LCA). Also called: Leber's amaurosis. Identifiers: Orphanet 65, MedGen C0339527, MeSH D057130, MONDO:0018998.
Retinitis pigmentosa (RP). Identifiers: Orphanet 791, MedGen C0035334, MeSH D012174, MONDO:0019200, OMIM 268000. Inheritance: Autosomal dominant, autosomal recessive and X linked inheritance.
Leber congenital amaurosis 13 (LCA13). Identifiers: MedGen C2675186, MONDO:0012990, OMIM 612712.
Retinal disorder. Also called: Retinopathies; Retinal Diseases; Retinal disorders; Retinopathy. Identifiers: MedGen C0035309, MONDO:0005283, HP:0000488.
Abnormality of the eye. Identifiers: MedGen C4316870, HP:0000478.

Submissions 1 to 12 of 21:

PreventionGenetics, part of Exact Sciences
Classification: Pathogenic for RDH12-related condition. Last evaluated: 2026-08-27. Review status: criteria provided, single submitter. Criteria: ACMG Guidelines, 2015. Collection method: clinical testing. Allele origin: germline.
Comment: The RDH12 c.806_810del5 variant is predicted to result in a frameshift and premature protein termination (p.Ala269Glyfs*2). This variant has been reported many times in the homozygous and compound heterozygous states in individuals with RDH12-related retinal disease (see for examples: Mackay et al. 2011. PubMed ID: 22065924; Wang et al. 2013. PubMed ID: 23847139; Table S1, Lin et al. 2024. PubMed ID: 38219857). This variant is reported in 0.028% of alleles in individuals of European (non-Finnish) descent in gnomAD, with >250 heterozygotes in the newest version of the database (v4.1), which may be too frequent to be a primary cause of autosomal dominant disease. Frameshift variants in RDH12 are an established mechanism of disease. This variant is interpreted as pathogenic for autosomal recessive disease, although the contribution of this variant to autosomal dominant disease remains uncertain at this time.

Labcorp Genetics (formerly Invitae), Labcorp
Classification: Pathogenic for Leber congenital amaurosis 13. Last evaluated: 2026-01-26. Review status: criteria provided, single submitter. Criteria: Invitae Variant Classification Sherloc (09022015). Collection method: clinical testing. Allele origin: germline.
Comment: This sequence change creates a premature translational stop signal (p.Ala269Glyfs*2) in the RDH12 gene. While this is not anticipated to result in nonsense mediated decay, it is expected to disrupt the last 48 amino acid(s) of the RDH12 protein. This variant is present in population databases (rs758435713, gnomAD 0.03%). This premature translational stop signal has been observed in individuals with autosomal recessive Leber congenital amaurosis (PMID: 17389517, 22065924, 23847139). ClinVar contains an entry for this variant (Variation ID: 2047). This variant disrupts a region of the RDH12 protein in which other variant(s) (p.Arg295*) have been determined to be pathogenic (PMID: 16269441, 22065924, 26047050). This suggests that this is a clinically significant region of the protein, and that variants that disrupt it are likely to be disease-causing. For these reasons, this variant has been classified as Pathogenic.

Natera, Inc.
Classification: Pathogenic for Leber congenital amaurosis. Last evaluated: 2025-08-26. Review status: criteria provided, single submitter. Criteria: Natera Variant Classification Schema (03/2026). Collection method: clinical testing. Allele origin: germline.
Comment: The c.806_810delCCCTG variant in RDH12 is a frameshift variant predicted to shift the reading frame beginning at codon 269 and leads to a stop codon 2 codons downstream. This variant is expected to result in nonsense mediated decay, truncation, or a dysfunctional protein product. This variant is rare in the general population with a frequency below the threshold expected for the associated phenotype(s). This variant has been observed in one or more individuals affected with the associated recessive disease, as either homozygous or compound heterozygous with a second variant (PMID: 26103963, 28513254). Given the available evidence, this variant is classified as Pathogenic.

Blueprint Genetics
Classification: Pathogenic for RDH12-related disorders. Last evaluated: 2024-09-04. Review status: criteria provided, single submitter. Criteria: ACMG Guidelines, 2015. Collection method: clinical testing. Allele origin: germline. Affected: yes. Observed: 5 variant alleles.

Fulgent Genetics
Classification: Pathogenic for Leber congenital amaurosis 13. Last evaluated: 2024-04-23. Review status: criteria provided, single submitter. Criteria: ACMG Guidelines, 2015. Collection method: clinical testing. Allele origin: germline.

Women's Health and Genetics/Laboratory Corporation of America, LabCorp
Classification: Pathogenic for Leber congenital amaurosis. Last evaluated: 2024-04-22. Review status: criteria provided, single submitter. Criteria: LabCorp Variant Classification Summary - May 2015. Collection method: clinical testing. Allele origin: germline.
Comment: Variant summary: RDH12 c.806_810delCCCTG (p.Ala269GlyfsX2) results in a premature termination codon, predicted to cause a truncation of the encoded protein or absence of the protein, which are commonly known mechanisms for disease. The variant allele was found at a frequency of 0.00018 in 239486 control chromosomes. This frequency is not significantly higher than estimated for a pathogenic variant in RDH12 causing Leber Congenital Amaurosis (0.00018 vs 0.0016), allowing no conclusion about variant significance. c.806_810delCCCTG has been reported in the literature in multiple individuals affected with Leber Congenital Amaurosis and the variant segregated with the disease in four families (e.g. Aleman_2018, Wang_2013). These data indicate that the variant is very likely to be associated with disease. At least one publication reports experimental evidence that this variant causes absent protein expression and a dramatic reduction in activity (Sun_2007). The following publications have been ascertained in the context of this evaluation (PMID: 30372751, 17512964, 23847139). ClinVar contains an entry for this variant (Variation ID: 2047). Based on the evidence outlined above, the variant was classified as pathogenic.

3billion
Classification: Pathogenic for Leber congenital amaurosis 13. Last evaluated: 2023-12-20. Review status: criteria provided, single submitter. Criteria: ACMG Guidelines, 2015. Collection method: clinical testing. Allele origin: germline. Affected: yes.
Comment: The variant is observed at an extremely low frequency in the gnomAD v2.1.1 dataset (total allele frequency: 0.016%). Predicted Consequence/Location: Frameshift: predicted to result in a loss or disruption of normal protein function through protein truncation. Multiple pathogenic variants are reported in the predicted truncated region. The variant has been reported at least twice as pathogenic with clinical assertions and evidence for the classification (ClinVar ID: VCV000002047 /PMID: 15258582). Therefore, this variant is classified as Pathogenic according to the recommendation of ACMG/AMP guideline.

Institute of Medical Genetics and Applied Genomics, University Hospital Tübingen
Classification: Pathogenic for Leber congenital amaurosis 13. Last evaluated: 2023-08-18. Review status: criteria provided, single submitter. Criteria: ACMG Guidelines, 2015. Collection method: clinical testing. Allele origin: germline. Inheritance: Autosomal recessive inheritance. Affected: yes.

GeneDx
Classification: Pathogenic. Last evaluated: 2022-11-17. Review status: criteria provided, single submitter. Criteria: GeneDx Variant Classification Process June 2021. Collection method: clinical testing. Allele origin: germline. Affected: yes.
Comment: Frameshift variant in the C-terminus predicted to result in protein truncation, as the last 48 amino acids are lost and replaced with 1 incorrect amino acid; This variant is associated with the following publications: (PMID: 17512964, 32531858, 15258582, 20683928, 20301475, 17964524, 23847139, 15322982, 19011012, 16269441, 26667666, 30372751, 22065924, 31424981, 30979730, 30653986, 32036094, 32581362, 31589614, 32865313)

AURAGEN, Plan France Médecine Génomique
Classification: Pathogenic for Retinal disorder. Last evaluated: 2022-02-14. Review status: criteria provided, single submitter. Criteria: PFMG2025 (Lancet Reg Health Eur. 2025). Collection method: clinical testing. Allele origin: germline. Affected: yes.

Revvity Omics, Revvity
Classification: Pathogenic for Leber congenital amaurosis 13. Last evaluated: 2021-06-24. Review status: criteria provided, single submitter. Criteria: ACMG Guidelines, 2015. Collection method: clinical testing. Allele origin: germline.

Ocular Genomics Institute, Massachusetts Eye and Ear
Classification: Pathogenic for Leber congenital amaurosis 13. Last evaluated: 2021-04-08. Review status: criteria provided, single submitter. Criteria: ACMG Guidelines, 2015. Collection method: research. Allele origin: germline. Affected: yes.
Comment: Through a review of available evidence we were able to apply the following criteria: PVS1, PS3, PP1-S, PM2. Based on this evidence we have classified this variant as Pathogenic.

NM_152443.3(RDH12):c.806_810del (p.Ala269fs)

Genes: GPHN (gephyrin; plus strand), RDH12 (retinol dehydrogenase 12; plus strand), ZFYVE26 (zinc finger FYVE-type containing 26; minus strand). Cytogenetic location: 14q24.1.
Variant type: Deletion.
Coding change: c.806_810del on transcript NM_152443.3 (MANE Select); coding-DNA positions 806 to 810, 5 bases deleted (CCCTG; older notation c.806_810delCCCTG).
Protein change: p.Ala269fs; shifts the reading frame from alanine 269.
Molecular consequence: frameshift variant.
Genome position (GRCh38, 1-based): chr14:67,729,338-67,729,342, CCCTG deleted; deleting any 5 consecutive bases within chr14:67,729,337-67,729,342 gives the same sequence; the c. name uses the placement nearest the transcript's 3' end. VCF-style (leftmost placement, unchanged base first): chr14-67729336-CGCCCT-C. GRCh37 (hg19) VCF-style: chr14-68196053-CGCCCT-C.
Other names: c.806_810delCCCTG (NM_152443.3); c.806_810del5 (NM_152443.2); short protein forms A269fs.
Identifiers: ClinVar variation 2047 (VCV000002047.80), dbSNP rs386834261, ClinGen allele CA339935.
Genomic context (GRCh38, chr14:67,729,336, plus strand): 5'-GCGGCTCTTCTCCCCCTTTGTCAAGACGGCACGGGAGGGGGCGCAGACCAGCCTGCACTG[CGCCCT>C]GGCTGAGGGCCTGGAGCCCCTGAGTGGCAAGTACTTCAGGTGTGTGAAGGCAATGCGGTT-3'